The following is an entry in ClinVar:

ClinVar aggregate classification (germline): Uncertain significance (1 of 4 stars; one submission).

Conditions:
Inborn genetic diseases. Identifiers: MedGen C0950123, MeSH D030342.

Submission:

Ambry Genetics
Classification: Uncertain significance for Inborn genetic diseases. Last evaluated: 2024-12-20. Review status: criteria provided, single submitter. Criteria: Ambry Variant Classification Scheme 2023. Collection method: clinical testing. Allele origin: germline.
Comment: The p.S383C variant (also known as c.1148C>G), located in coding exon 10 of the FANCG gene, results from a C to G substitution at nucleotide position 1148. The serine at codon 383 is replaced by cysteine, an amino acid with dissimilar properties. This amino acid position is conserved. In addition, this alteration is predicted to be tolerated by in silico analysis. Based on the available evidence, the clinical significance of this variant remains unclear.

NM_004629.2(FANCG):c.1148C>G (p.Ser383Cys)

Gene: FANCG (FA complementation group G; minus strand). Cytogenetic location: 9p13.3.
Variant type: single nucleotide variant.
Coding change: c.1148C>G on transcript NM_004629.2 (MANE Select); coding-DNA position 1148, C replaced by G.
Protein change: p.Ser383Cys; replaces serine 383 with cysteine.
Molecular consequence: missense variant.
Genome position (GRCh38, 1-based): chr9:35,075,750, G>C on the plus strand (C>G on the coding strand, the complement: FANCG is on the minus strand). VCF-style: chr9-35075750-G-C. GRCh37 (hg19) VCF-style: chr9-35075747-G-C.
Other names: short protein forms S383C.
Identifiers: ClinVar variation 3848379 (VCV003848379.1).